The following is an entry in ClinVar:

ClinVar aggregate classification (germline): Likely benign. Review status: reviewed by expert panel (3 of 4 stars). 2 submissions from 2 submitters: Likely benign (1). 1 of the submissions does not count toward it. Last evaluated 2024-09-18.

Conditions:
Hereditary thrombocytopenia and hematological cancer predisposition syndrome associated with RUNX1. Also called: Familial Platelet Disorder with Propensity to Acute Myelogenous Leukemia; Familial thrombocytopenia with propensity to acute myelogenous leukemia; PLATELET DISORDER, ASPIRIN-LIKE; RUNX1 Familial Platelet Disorder with Associated Myeloid Malignancies. Identifiers: Orphanet 71290, MedGen C1832388, MeSH C563324, MONDO:0100083, OMIM 601399.
Hereditary thrombocytopenia and hematologic cancer predisposition syndrome. Identifiers: Orphanet 71290, MedGen CN281654, MONDO:0011071.

Submissions (2):

ClinGen Myeloid Malignancy Variant Curation Expert Panel
Classification: Likely benign for Hereditary thrombocytopenia and hematologic cancer predisposition syndrome. Last evaluated: 2024-09-18. Review status: reviewed by expert panel. Criteria: ClinGen MyeloMalig ACMG Specifications v2. Collection method: curation. Allele origin: germline. Inheritance: Autosomal dominant inheritance.
Comment: NM_001754.5(RUNX1):c.501T>C (p.Ser167=) is a synonymous variant which has a SpliceAI score ≤ 0.20 (0.03) (BP4). This variant has a SpliceAI score ≤ 0.20 (0.03) and evolutionary conservation algorithms predict the site as being not conserved (PhyloP score ≤ 2.0 (0.40) (BP7). This variant is completely absent from all population databases with at least 20x coverage for RUNX1 (PM2_Supporting). In summary, this variant meets criteria to be classified as likely benign. ACMG/AMP criteria applied, as specified by the Myeloid Malignancy Variant Curation Expert Panel for RUNX1: BP4, BP7, PM2_supporting.

Labcorp Genetics (formerly Invitae), Labcorp
Classification: Likely benign for Hereditary thrombocytopenia and hematological cancer predisposition syndrome associated with RUNX1. Last evaluated: 2023-08-16. Review status: criteria provided, single submitter. Criteria: Invitae Variant Classification Sherloc (09022015). Collection method: clinical testing. Allele origin: germline. Not counted in ClinVar's aggregate classification.

NM_001754.5(RUNX1):c.501T>C (p.Ser167=)

Genes: RUNX1 (RUNX family transcription factor 1; minus strand), RUNX1-AS1 (RUNX1 antisense RNA 1; plus strand). Cytogenetic location: 21q22.12.
Variant type: single nucleotide variant.
Coding change: c.501T>C on transcript NM_001754.5 (MANE Select); coding-DNA position 501, T replaced by C.
Protein change: p.Ser167=; no amino-acid change (serine 167 retained).
Molecular consequence: synonymous variant.
Genome position (GRCh38, 1-based): chr21:34,880,564, A>G on the plus strand (T>C on the coding strand, the complement: RUNX1 is on the minus strand). VCF-style: chr21-34880564-A-G. GRCh37 (hg19) VCF-style: chr21-36252861-A-G.
Other names: NM_001754.5(RUNX1):c.501T>C; p.Ser167=; c.420T>C, p.Ser140= (NM_001122607.2, NM_001001890.3).
Identifiers: ClinVar variation 2775524 (VCV002775524.4), dbSNP rs2146360357, ClinGen allele CA512318645.
Genomic context (GRCh38, chr21:34,880,564, plus strand): 5'-TGGGTTTGTTGCCATGAAACGTGTTTCAAGCATAGTTTTGACAGATAACGTACCTCTTCC[A>G]CTTCGACCGACAAACCTGAGGTCATTAAATCTTGCAACCTGGTTCTTCATGGCTGCGGTA-3'
Protein context (NP_001745.2, residues 157-177): RFNDLRFVGR[Ser167=]GRGKSFTLTI